The following is an entry in ClinVar:

ClinVar aggregate classification (germline): Uncertain significance (1 of 4 stars; one submission).

Submission:

Women's Health and Genetics/Laboratory Corporation of America, LabCorp
Classification: Uncertain significance. Last evaluated: 2026-06-16. Review status: criteria provided, single submitter. Criteria: LabCorp Variant Classification Summary - May 2015. Collection method: clinical testing. Allele origin: germline.
Comment: Variant summary: BSCL2 c.1165C>G (p.Leu389Val) results in a conservative amino acid change in the encoded protein sequence. Algorithms developed to predict the effect of missense changes on protein structure and function all suggest that this variant is likely to be tolerated. The variant was absent in 251382 control chromosomes. The available data on variant occurrences in the general population are insufficient to allow any conclusion about variant significance. To our knowledge, no occurrence of c.1165C>G in individuals affected with BSCL2-related conditions and no experimental evidence demonstrating its impact on protein function have been reported. No submitters have cited clinical-significance assessments for this variant to ClinVar. Based on the evidence outlined above, the variant was classified as uncertain significance.

NM_001122955.4(BSCL2):c.1357C>G (p.Leu453Val)

Genes: BSCL2 (BSCL2 lipid droplet biogenesis associated, seipin; minus strand), HNRNPUL2-BSCL2 (HNRNPUL2-BSCL2 readthrough (NMD candidate); minus strand). Cytogenetic location: 11q12.3.
Variant type: single nucleotide variant.
Coding change: c.1357C>G on transcript NM_001122955.4 (MANE Select); coding-DNA position 1357, C replaced by G.
Protein change: p.Leu453Val; replaces leucine 453 with valine.
Molecular consequence: missense variant. On other transcripts: non-coding transcript variant (1), 3 prime UTR variant (1).
Genome position (GRCh38, 1-based): chr11:62,690,399, G>C on the plus strand (C>G on the coding strand, the complement: BSCL2 is on the minus strand). VCF-style: chr11-62690399-G-C. GRCh37 (hg19) VCF-style: chr11-62457871-G-C.
Other names: c.*159C>G (NM_001130702.2); c.1363C>G, p.Leu455Val (NM_001386027.1); c.1357C>G, p.Leu453Val (NM_001386028.1); c.1165C>G, p.Leu389Val (NM_032667.6); short protein forms L389V, L453V, L455V.
Identifiers: ClinVar variation 4887218 (VCV004887218.1).
Genomic context (GRCh38, chr11:62,690,399, plus strand): 5'-TGGAATGTGAGGAGTCTGCCCCTTTTCTTCAGGAACTAGAGCAGGTGGGGCGCTGTCGGA[G>C]AGCACCCCCAGCAGGTTCAGAGCTGCCCAGAGTCTCTAGGACAGGGGCAGAAGCAGAAGC-3'
Protein context (NP_001116427.1, residues 443-462): LGSSEPAGGA[Leu453Val]RQRPTCSSS